The following is an entry in ClinVar:

ClinVar aggregate classification (germline): Uncertain significance. Review status: criteria provided, multiple submitters, no conflicts (2 of 4 stars). 4 submissions from 4 submitters: Uncertain significance (4). Last evaluated 2025-12-29.

Conditions:
Hereditary cancer-predisposing syndrome. Also called: Hereditary Cancer Syndrome; Hereditary neoplastic syndrome; Neoplastic Syndromes, Hereditary; Tumor predisposition. Identifiers: Orphanet 140162, MedGen C0027672, MeSH D009386, MONDO:0015356.
Endometrial carcinoma. Also called: Endometrial carcinoma, somatic. Identifiers: MedGen C0476089, MONDO:0002447, OMIM 608089, HP:0012114.

Allele frequency attached by ClinVar (database versions not stated): gnomAD exomes below 0.00001; ExAC 0.00001; gnomAD 0.00001.
gnomAD v4.1: 3 of 1,613,920 alleles (0.00019%); highest among the groups gnomAD compares: Middle Eastern, 0.017%; no homozygotes.

Submissions (4):

Center for Genomic Medicine, Rigshospitalet, Copenhagen University Hospital
Classification: Uncertain significance. Last evaluated: 2025-12-29. Review status: criteria provided, single submitter. Criteria: ACMG Guidelines, 2015. Collection method: clinical testing. Allele origin: germline.

Ambry Genetics
Classification: Uncertain significance for Hereditary cancer-predisposing syndrome. Last evaluated: 2025-05-02. Review status: criteria provided, single submitter. Criteria: Ambry Variant Classification Scheme 2023. Collection method: clinical testing. Allele origin: germline.
Comment: The p.E158D variant (also known as c.474G>T), located in coding exon 3 of the MSH3 gene, results from a G to T substitution at nucleotide position 474. The glutamic acid at codon 158 is replaced by aspartic acid, an amino acid with highly similar properties. This amino acid position is conserved. In addition, this alteration is predicted to be tolerated by in silico analysis. Since supporting evidence is limited at this time, the clinical significance of this alteration remains unclear.

Labcorp Genetics (formerly Invitae), Labcorp
Classification: Uncertain significance. Last evaluated: 2024-04-24. Review status: criteria provided, single submitter. Criteria: Invitae Variant Classification Sherloc (09022015). Collection method: clinical testing. Allele origin: germline.
Comment: This sequence change replaces glutamic acid, which is acidic and polar, with aspartic acid, which is acidic and polar, at codon 158 of the MSH3 protein (p.Glu158Asp). This variant is present in population databases (rs776922419, gnomAD 0.002%). This variant has not been reported in the literature in individuals affected with MSH3-related conditions. ClinVar contains an entry for this variant (Variation ID: 1742835). An algorithm developed to predict the effect of missense changes on protein structure and function (PolyPhen-2) suggests that this variant is likely to be tolerated. In summary, the available evidence is currently insufficient to determine the role of this variant in disease. Therefore, it has been classified as a Variant of Uncertain Significance.

Baylor Genetics
Classification: Uncertain significance for Endometrial carcinoma. Last evaluated: 2024-03-13. Review status: criteria provided, single submitter. Criteria: ACMG Guidelines, 2015. Collection method: clinical testing. Allele origin: unknown.

NM_002439.5(MSH3):c.474G>T (p.Glu158Asp)

Gene: MSH3 (mutS homolog 3; plus strand). Cytogenetic location: 5q14.1.
Variant type: single nucleotide variant.
Coding change: c.474G>T on transcript NM_002439.5 (MANE Select); coding-DNA position 474, G replaced by T.
Protein change: p.Glu158Asp; replaces glutamic acid 158 with aspartic acid.
Molecular consequence: missense variant.
Genome position (GRCh38, 1-based): chr5:80,665,258, G>T. VCF-style: chr5-80665258-G-T. GRCh37 (hg19) VCF-style: chr5-79961077-G-T.
Other names: short protein forms E158D.
Identifiers: ClinVar variation 1742835 (VCV001742835.7), dbSNP rs776922419, ClinGen allele CA3327609.